The following is an entry in ClinVar:

ClinVar aggregate classification (germline): Uncertain significance. Review status: criteria provided, multiple submitters, no conflicts (2 of 4 stars). 2 submissions from 2 submitters: Uncertain significance (2). Last evaluated 2025-05-01.

Conditions:
Atrophia bulborum hereditaria (ND). Also called: EPISKOPI BLINDNESS; Pseudoglioma; Norrie syndrome; Norrie-Warburg syndrome; Anderson-Warburg syndrome; Fetal iritis syndrome. Identifiers: Orphanet 649, MedGen C0266526, MONDO:0010691, OMIM 310600, HP:6000262.

Submissions (2):

Victorian Clinical Genetics Services, Murdoch Childrens Research Institute
Classification: Uncertain significance for Atrophia bulborum hereditaria. Last evaluated: 2025-05-01. Review status: criteria provided, single submitter. Criteria: ACMG Guidelines, 2015. Collection method: clinical testing. Allele origin: germline. Affected: yes.
Comment: This variant is classified as VUS-3B. Evidence in support of pathogenic classification: Variant is absent from gnomAD (v2, v3 and v4); Very strong and specific phenotype match for this individual; Additional information: Non-coding variant without known or predicted effect; This variant is hemizygous; This gene is associated with X-linked recessive disease. Males with pathogenic variants consistently present with disease, whereas carrier females are usually unaffected. Isolated female cases have been reported with milder symptoms, which is likely due to skewed X-inactivation (PMID: 11748312). - This variant has no previous evidence of pathogenicity; No published segregation evidence has been identified for this variant; No published functional evidence has been identified for this variant; No comparable non-coding variants have previous evidence for pathogenicity; In silico prediction for abnormal splicing and nucleotide conservation are conflicting; Loss of function is a known mechanism of disease in this gene and is associated with Norrie disease (MIM#310600); Variants in this gene are known to have variable expressivity (OMIM).

Blueprint Genetics
Classification: Uncertain significance. Last evaluated: 2023-09-29. Review status: criteria provided, single submitter. Criteria: ACMG Guidelines, 2015. Collection method: clinical testing. Allele origin: germline.

Literature cited by the submitters: PubMed 11748312 (cited by Victorian Clinical Genetics Services, Murdoch Childrens Research Institute).

NM_000266.4(NDP):c.-209A>G

Gene: NDP (norrin cystine knot growth factor NDP; minus strand). Cytogenetic location: Xp11.3.
Variant type: single nucleotide variant.
Coding change: c.-209A>G on transcript NM_000266.4 (MANE Select); 209 bases upstream of the start codon, A replaced by G.
Molecular consequence: 5 prime UTR variant.
Genome position (GRCh38, 1-based): chrX:43,973,305, T>C on the plus strand (A>G on the coding strand, the complement: NDP is on the minus strand). VCF-style: chrX-43973305-T-C. GRCh37 (hg19) VCF-style: chrX-43832551-T-C.
Identifiers: ClinVar variation 4531317 (VCV004531317.2).
Genomic context (GRCh38, chrX:43,973,305, plus strand): 5'-CTCGGTTTGGAAAGAAGCGATTTCCTAGGCAAGCCGGCAGCGCTTGTTTTCCTGCTTACC[T>C]TAGGGGAACGCAGGGCTCCTTTCTTCTCAGACTTTTCTGAGAGCTAGAAAGAGGTCCTGT-3'